The following is an entry in ClinVar:

ClinVar aggregate classification (germline): Uncertain significance (1 of 4 stars; one submission).

Conditions:
Neurodevelopmental disorder with or without early-onset generalized epilepsy. Identifiers: MedGen C5436914, MONDO:0030930, OMIM 619157.

gnomAD v4.1: 17 of 1,592,008 alleles (0.0011%); highest among the groups gnomAD compares: South Asian, 0.019%; no homozygotes.

Submission:

Neuberg Centre For Genomic Medicine, NCGM
Classification: Uncertain significance for Neurodevelopmental disorder with or without early-onset generalized epilepsy. Last evaluated: 2023-06-22. Review status: criteria provided, single submitter. Criteria: ACMG Guidelines, 2015. Collection method: clinical testing. Allele origin: germline. Inheritance: Autosomal dominant inheritance. Affected: yes.
Comment: The observed missense c.1643G>C(p.Gly548Ala) variant in NBEA gene has not been reported previously as a pathogenic variant nor as a benign variant, to our knowledge. This variant is reported with the allele frequency of 0.003% in the gnomAD Exomes. The amino acid Gly at position 548 is changed to a Ala changing protein sequence and it might alter its composition and physico-chemical properties. The amino acid change p.Gly548Ala in NBEA is predicted as conserved by GERP++ and PhyloP across 100 vertebrates. Computational evidence (Polyphen - Benign, SIFT - Tolerated, and MutationTaster - Disease causing) predicts conflicting evidence on protein structure and function for this variant. For these reasons, this variant has been classified as Uncertain Significance.

NM_001385012.1(NBEA):c.1643G>C (p.Gly548Ala)

Gene: NBEA (neurobeachin; plus strand). Cytogenetic location: 13q13.3.
Variant type: single nucleotide variant.
Coding change: c.1643G>C on transcript NM_001385012.1 (MANE Select); coding-DNA position 1643, G replaced by C.
Protein change: p.Gly548Ala; replaces glycine 548 with alanine.
Molecular consequence: missense variant.
Genome position (GRCh38, 1-based): chr13:35,098,368, G>C. VCF-style: chr13-35098368-G-C. GRCh37 (hg19) VCF-style: chr13-35672505-G-C.
Other names: c.1643G>C, p.Gly548Ala (NM_001379245.1, NM_015678.5); short protein forms G548A.
Identifiers: ClinVar variation 3377607 (VCV003377607.1).